The following is an entry in ClinVar:

ClinVar aggregate classification (germline): Uncertain significance (1 of 4 stars; one submission).

Submission:

Athena Diagnostics
Classification: Uncertain significance. Last evaluated: 2025-02-28. Review status: criteria provided, single submitter. Criteria: Athena Diagnostics Criteria. Collection method: clinical testing. Allele origin: unknown.
Comment: Available data are insufficient to determine the clinical significance of the variant at this time. This variant has not been reported in large, multi-ethnic general populations. Computational tools yielded predictions that this variant is unlikely to have an effect on normal RNA splicing.

NM_201384.3(PLEC):c.2286C>T (p.Asp762=)

Gene: PLEC (plectin; minus strand). Cytogenetic location: 8q24.3.
Variant type: single nucleotide variant.
Coding change: c.2286C>T on transcript NM_201384.3 (MANE Select); coding-DNA position 2286, C replaced by T.
Protein change: p.Asp762=; no amino-acid change (aspartic acid 762 retained).
Molecular consequence: synonymous variant.
Genome position (GRCh38, 1-based): chr8:143,931,552, G>A on the plus strand (C>T on the coding strand, the complement: PLEC is on the minus strand). VCF-style: chr8-143931552-G-A. GRCh37 (hg19) VCF-style: chr8-145005720-G-A.
Other names: c.2367C>T, p.Asp789= (NM_000445.5, NM_001410941.1); c.2244C>T, p.Asp748= (NM_201378.4); c.2220C>T, p.Asp740= (NM_201379.3); c.2697C>T, p.Asp899= (NM_201380.4); c.2190C>T, p.Asp730= (NM_201381.3); c.2286C>T, p.Asp762= (NM_201382.4); c.2298C>T, p.Asp766= (NM_201383.3).
Identifiers: ClinVar variation 4682371 (VCV004682371.1).